The following is an entry in ClinVar:

ClinVar aggregate classification (germline): Uncertain significance (1 of 4 stars; one submission).

Conditions:
Macrocephaly-developmental delay syndrome (MRT41). Also called: INTELLECTUAL DEVELOPMENTAL DISORDER, AUTOSOMAL RECESSIVE 41. Identifiers: Orphanet 397612, MedGen C3810225, MONDO:0014289, OMIM 615637.

gnomAD v4.1: 10 of 1,549,182 alleles (0.00065%); highest among the groups gnomAD compares: Non-Finnish European, 0.00087%; no homozygotes.

Submission:

Labcorp Genetics (formerly Invitae), Labcorp
Classification: Uncertain significance for Macrocephaly-developmental delay syndrome. Last evaluated: 2025-11-18. Review status: criteria provided, single submitter. Criteria: Invitae Variant Classification Sherloc (09022015). Collection method: clinical testing. Allele origin: germline.
Comment: This sequence change replaces proline, which is neutral and non-polar, with arginine, which is basic and polar, at codon 210 of the KPTN protein (p.Pro210Arg). The frequency data for this variant in the population databases is considered unreliable, as metrics indicate poor data quality at this position in the gnomAD database. This variant has not been reported in the literature in individuals affected with KPTN-related conditions. Invitae Evidence Modeling of protein sequence and biophysical properties (such as structural, functional, and spatial information, amino acid conservation, physicochemical variation, residue mobility, and thermodynamic stability) indicates that this missense variant is not expected to disrupt KPTN protein function with a negative predictive value of 80%. In summary, the available evidence is currently insufficient to determine the role of this variant in disease. Therefore, it has been classified as a Variant of Uncertain Significance.

NM_007059.4(KPTN):c.629C>G (p.Pro210Arg)

Gene: KPTN (kaptin, actin binding protein; minus strand). Cytogenetic location: 19q13.32.
Variant type: single nucleotide variant.
Coding change: c.629C>G on transcript NM_007059.4 (MANE Select); coding-DNA position 629, C replaced by G.
Protein change: p.Pro210Arg; replaces proline 210 with arginine.
Molecular consequence: missense variant. On other transcripts: non-coding transcript variant (1).
Genome position (GRCh38, 1-based): chr19:47,480,378, G>C on the plus strand (C>G on the coding strand, the complement: KPTN is on the minus strand). VCF-style: chr19-47480378-G-C. GRCh37 (hg19) VCF-style: chr19-47983635-G-C.
Other names: c.461C>G, p.Pro154Arg (NM_001291296.2); short protein forms P154R, P210R.
Identifiers: ClinVar variation 4702965 (VCV004702965.1).